The following is an entry in ClinVar:

NM_001267550.2(TTN):c.106723G>C (p.Glu35575Gln)

Genes: TTN (titin; minus strand), TTN-AS1 (TTN antisense RNA 1; plus strand). Cytogenetic location: 2q31.2.
Variant type: single nucleotide variant.
Coding change: c.106723G>C on transcript NM_001267550.2 (MANE Select); coding-DNA position 106723, G replaced by C.
Protein change: p.Glu35575Gln; replaces glutamic acid 35575 with glutamine.
Molecular consequence: missense variant.
Genome position (GRCh38, 1-based): chr2:178,529,028, C>G on the plus strand (G>C on the coding strand, the complement: TTN is on the minus strand). VCF-style: chr2-178529028-C-G. GRCh37 (hg19) VCF-style: chr2-179393755-C-G.
Other names: c.101800G>C, p.Glu33934Gln (NM_001256850.1); c.79528G>C, p.Glu26510Gln (NM_003319.4); c.99019G>C, p.Glu33007Gln (NM_133378.4); c.79903G>C, p.Glu26635Gln (NM_133432.3); c.80104G>C, p.Glu26702Gln (NM_133437.4); short protein forms E26635Q, E33007Q, E35575Q, E26510Q, E26702Q, E33934Q.
Identifiers: ClinVar variation 1896403 (VCV001896403.5), dbSNP rs886055217, ClinGen allele CA349403397.

ClinVar aggregate classification (germline): Uncertain significance (1 of 4 stars; one submission).

Conditions:
Dilated cardiomyopathy 1G (CMD1G). Identifiers: Orphanet 154, MedGen C1858763, MONDO:0011400, OMIM 604145.
Autosomal recessive limb-girdle muscular dystrophy type 2J (LGMDR10). Also called: Limb-girdle muscular dystrophy, type 2J; MUSCULAR DYSTROPHY, LIMB-GIRDLE, AUTOSOMAL RECESSIVE 10. Identifiers: Orphanet 140922, MedGen C1837342, MONDO:0012127, OMIM 608807.

Submission:

Labcorp Genetics (formerly Invitae), Labcorp
Classification: Uncertain significance for Dilated cardiomyopathy 1G; Autosomal recessive limb-girdle muscular dystrophy type 2J. Last evaluated: 2022-05-15. Review status: criteria provided, single submitter. Criteria: Invitae Variant Classification Sherloc (09022015). Collection method: clinical testing. Allele origin: germline.
Comment: In summary, the available evidence is currently insufficient to determine the role of this variant in disease. Therefore, it has been classified as a Variant of Uncertain Significance. Algorithms developed to predict the effect of missense changes on protein structure and function output the following: SIFT: "Not Available"; PolyPhen-2: "Not Available"; Align-GVGD: "Not Available". The glutamine amino acid residue is found in multiple mammalian species, which suggests that this missense change does not adversely affect protein function. This variant has not been reported in the literature in individuals affected with TTN-related conditions. This variant is not present in population databases (gnomAD no frequency). This sequence change replaces glutamic acid, which is acidic and polar, with glutamine, which is neutral and polar, at codon 35575 of the TTN protein (p.Glu35575Gln). This variant is located in the M band of TTN (PMID: 25589632). Variants in this region may be relevant for neuromuscular disorders, but have not been definitively shown to cause cardiomyopathy (PMID: 23975875).

Literature cited by the submitters: PubMed 25589632; PubMed 23975875.